The following is an entry in ClinVar:

NM_018012.4(KIF26B):c.5982C>T (p.Ile1994=)

Gene: KIF26B (kinesin family member 26B; plus strand). Cytogenetic location: 1q44.
Variant type: single nucleotide variant.
Coding change: c.5982C>T on transcript NM_018012.4 (MANE Select); coding-DNA position 5982, C replaced by T.
Protein change: p.Ile1994=; no amino-acid change (isoleucine 1994 retained).
Molecular consequence: synonymous variant.
Genome position (GRCh38, 1-based): chr1:245,698,263, C>T. VCF-style: chr1-245698263-C-T. GRCh37 (hg19) VCF-style: chr1-245861565-C-T.
Identifiers: ClinVar variation 3039209 (VCV003039209.2), dbSNP rs7530669, ClinGen allele CA1488800.
Genomic context (GRCh38, chr1:245,698,263, plus strand): 5'-CCCCTTGCGGAGCAGCCCGAGGGGCCTTGGGGAACCCTTTGAGATTAAAGTCTATGAAAT[C>T]GATGACGTGGAGCGCCTGCAGCGGCGACGAGGGGGTGCCAGCAAGGTGAGGCAGCCTCCT-3'
Protein context (NP_060482.2, residues 1984-2004): GEPFEIKVYE[Ile1994=]DDVERLQRRR

ClinVar aggregate classification (germline): Benign (0 of 4 stars; one submission).

Conditions:
KIF26B-related disorder. Also called: KIF26B-related condition.

Allele frequency attached by ClinVar (database versions not stated): gnomAD exomes 0.00364; ExAC 0.01032; ESP Exome Variant Server 0.03017; gnomAD 0.03189; 1000 Genomes Project 0.03554; TOPMed 0.03690; 1000 Genomes Project 30x 0.03904.
gnomAD v4.1: 10,459 of 1,613,788 alleles (0.65%); highest among the groups gnomAD compares: African/African-American, 11%; 447 homozygotes.

Submission:

PreventionGenetics, part of Exact Sciences
Classification: Benign for KIF26B-related condition. Last evaluated: 2019-02-16. Review status: no assertion criteria provided. Collection method: clinical testing. Allele origin: germline.
Comment: This variant is classified as benign based on ACMG/AMP sequence variant interpretation guidelines (Richards et al. 2015 PMID: 25741868, with internal and published modifications).